The following is an entry in ClinVar:

NM_018699.4(PRDM5):c.1698G>T (p.Thr566=)

Gene: PRDM5 (PR/SET domain 5; minus strand). Cytogenetic location: 4q27.
Variant type: single nucleotide variant.
Coding change: c.1698G>T on transcript NM_018699.4 (MANE Select); coding-DNA position 1698, G replaced by T.
Protein change: p.Thr566=; no amino-acid change (threonine 566 retained).
Molecular consequence: synonymous variant. On other transcripts: 3 prime UTR variant (1), intron variant (1).
Genome position (GRCh38, 1-based): chr4:120,710,339, C>A on the plus strand (G>T on the coding strand, the complement: PRDM5 is on the minus strand). VCF-style: chr4-120710339-C-A. GRCh37 (hg19) VCF-style: chr4-121631494-C-A.
Other names: c.1605G>T, p.Thr535= (NM_001300823.2); c.*13G>T (NM_001300824.2); c.1731G>T, p.Thr577= (NM_001379104.1); c.1531-15064G>T (NM_001379106.1); c.1698G>T (NM_018699.3, NM_018699.2).
Identifiers: ClinVar variation 2192809 (VCV002192809.7), dbSNP rs764095834, ClinGen allele CA3060970.

ClinVar aggregate classification (germline): Likely benign. Review status: criteria provided, multiple submitters, no conflicts (2 of 4 stars). 3 submissions from 3 submitters: Likely benign (2). 1 of the submissions does not count toward it. Last evaluated 2025-12-28.

Conditions:
PRDM5-related disorder. Also called: PRDM5-related condition.
Cardiovascular phenotype. Identifiers: MedGen CN230736.

gnomAD v4.1: 31 of 1,613,868 alleles (0.0019%); highest among the groups gnomAD compares: East Asian, 0.067%; no homozygotes.

Submissions (3):

Labcorp Genetics (formerly Invitae), Labcorp
Classification: Likely benign. Last evaluated: 2025-12-28. Review status: criteria provided, single submitter. Criteria: Invitae Variant Classification Sherloc (09022015). Collection method: clinical testing. Allele origin: germline.

Ambry Genetics
Classification: Likely benign for Cardiovascular phenotype. Last evaluated: 2023-11-30. Review status: criteria provided, single submitter. Criteria: Ambry Variant Classification Scheme 2023. Collection method: clinical testing. Allele origin: germline.

PreventionGenetics, part of Exact Sciences
Classification: Likely benign for PRDM5-related condition. Last evaluated: 2022-10-17. Review status: no assertion criteria provided. Collection method: clinical testing. Allele origin: germline. Not counted in ClinVar's aggregate classification.
Comment: This variant is classified as likely benign based on ACMG/AMP sequence variant interpretation guidelines (Richards et al. 2015 PMID: 25741868, with internal and published modifications).